The following is an entry in ClinVar:

NM_000360.4(TH):c.1118C>T (p.Thr373Met)

Gene: TH (tyrosine hydroxylase; minus strand). Cytogenetic location: 11p15.5.
Variant type: single nucleotide variant.
Coding change: c.1118C>T on transcript NM_000360.4 (MANE Select); coding-DNA position 1118, C replaced by T.
Protein change: p.Thr373Met; replaces threonine 373 with methionine.
Molecular consequence: missense variant.
Genome position (GRCh38, 1-based): chr11:2,165,750, G>A on the plus strand (C>T on the coding strand, the complement: TH is on the minus strand). VCF-style: chr11-2165750-G-A. GRCh37 (hg19) VCF-style: chr11-2186980-G-A.
Other names: c.1211C>T (NM_199292.2); c.1211C>T, p.Thr404Met (NM_199292.3); c.1199C>T, p.Thr400Met (NM_199293.3); short protein forms T400M, T404M, T373M.
Identifiers: ClinVar variation 1403045 (VCV001403045.26), dbSNP rs868563700, ClinGen allele CA216283662.
Genomic context (GRCh38, chr11:2,165,750, plus strand): 5'-AGCAGCCCGGCACCATAGGCCTTCACCTCCCCGTTCTGCTTACACAGCCCGAACTCCACC[G>A]TGAACCAGTACAGCTGCGGGGAAGCCGGGCAGCATCAGCCCAGAGACAGCTGCCGCCCAC-3'
Protein context (NP_000351.2, residues 363-383): IEKLSTLYWF[Thr373Met]VEFGLCKQNG

ClinVar aggregate classification (germline): Conflicting classifications of pathogenicity. Review status: criteria provided, conflicting classifications (1 of 4 stars). 6 submissions from 6 submitters: Likely pathogenic (4); Uncertain significance (2). Last evaluated 2025-08-07.

Conditions:
TH-related disorders.
TH-deficient dopa-responsive dystonia. Also called: DYT-TH; Segawa syndrome, autosomal recessive; Tyrosine Hydroxylase-Deficient Dopa-Responsive Dystonia. Identifiers: Orphanet 101150, MedGen C2673535, MONDO:0011551, OMIM 605407.

Allele frequency attached by ClinVar (database versions not stated): gnomAD exomes below 0.00001 and 0.00001; TOPMed 0.00001.
gnomAD v4.1: 10 of 1,612,608 alleles (0.00062%); highest among the groups gnomAD compares: Admixed American, 0.0017%; no homozygotes.

Submissions (6):

Natera, Inc.
Classification: Likely pathogenic for Autosomal recessive Segawa syndrome. Last evaluated: 2025-08-07. Review status: criteria provided, single submitter. Criteria: Natera Variant Classification Schema (03/2026). Collection method: clinical testing. Allele origin: germline.
Comment: The c.1211C>T variant in TH is a missense variant predicted to cause substitution of threonine to methionine at amino acid 404. This variant is rare in the general population with a frequency below the threshold expected for the associated phenotype(s). This variant has been observed in one or more individuals affected with the associated recessive disease, as either homozygous or compound heterozygous with a second variant (PMID: 33627497). This variant has been identified in one or more affected individuals with a phenotype highly consistent with the associated gene (PMID: 33627497). Computational prediction algorithms indicate this variant is likely to affect gene or protein function. Given the available evidence, this variant is classified as Likely Pathogenic.

Blueprint Genetics
Classification: Likely pathogenic for TH-related disorders. Last evaluated: 2024-11-22. Review status: criteria provided, single submitter. Criteria: ACMG Guidelines, 2015. Collection method: clinical testing. Allele origin: germline. Affected: yes. Observed: 3 variant alleles.

CeGaT Center for Human Genetics Tuebingen
Classification: Uncertain significance. Last evaluated: 2024-07-01. Review status: criteria provided, single submitter. Criteria: CeGaT Center For Human Genetics Tuebingen Variant Classification Criteria Version 2. Collection method: clinical testing. Allele origin: germline. Affected: yes. Observed: 2 variant alleles.
Comment: TH: PM2, PM3, PP3

Labcorp Genetics (formerly Invitae), Labcorp
Classification: Uncertain significance for TH-deficient dopa-responsive dystonia. Last evaluated: 2022-01-15. Review status: criteria provided, single submitter. Criteria: Invitae Variant Classification Sherloc (09022015). Collection method: clinical testing. Allele origin: germline.
Comment: This sequence change replaces threonine, which is neutral and polar, with methionine, which is neutral and non-polar, at codon 404 of the TH protein (p.Thr404Met). This variant is present in population databases (no rsID available, gnomAD 0.0009%). This variant has not been reported in the literature in individuals affected with TH-related conditions. Advanced modeling of protein sequence and biophysical properties (such as structural, functional, and spatial information, amino acid conservation, physicochemical variation, residue mobility, and thermodynamic stability) performed at Invitae indicates that this missense variant is expected to disrupt TH protein function. In summary, the available evidence is currently insufficient to determine the role of this variant in disease. Therefore, it has been classified as a Variant of Uncertain Significance.

Kariminejad - Najmabadi Pathology & Genetics Center
Classification: Likely pathogenic for TH-deficient dopa-responsive dystonia. Review status: criteria provided, single submitter. Criteria: ACMG Guidelines, 2015. Collection method: clinical testing. Allele origin: germline. Affected: no.

Laboratory Cellgenetics, GMDL Cellgenetics
Classification: Likely pathogenic for TH-deficient dopa-responsive dystonia. Review status: criteria provided, single submitter. Criteria: ACMG Guidelines, 2015. Collection method: clinical testing. Allele origin: unknown. Inheritance: Autosomal recessive inheritance. Affected: yes. Observed: 1 compound heterozygote.
Comment: The following ACMG criteria were applied in classifying this variant: PM1, PM2, PP2, PP3, PP4. This variant was detected in compound heterozygous state with c.605G>A (p.Arg202His) variant.

Literature cited by the submitters: PubMed 33627497 (cited by Natera, Inc.).